The following is an entry in ClinVar:

NM_024577.4(SH3TC2):c.*10614G>A

Gene: SH3TC2 (SH3 domain and tetratricopeptide repeats 2; minus strand). Cytogenetic location: 5q32.
Variant type: single nucleotide variant.
Coding change: c.*10614G>A on transcript NM_024577.4 (MANE Select); 10614 bases downstream of the stop codon, G replaced by A.
Molecular consequence: 3 prime UTR variant.
Genome position (GRCh38, 1-based): chr5:148,994,097, C>T on the plus strand (G>A on the coding strand, the complement: SH3TC2 is on the minus strand). VCF-style: chr5-148994097-C-T. GRCh37 (hg19) VCF-style: chr5-148373660-C-T.
Identifiers: ClinVar variation 904111 (VCV000904111.4), dbSNP rs114217114, ClinGen allele CA128988811.

ClinVar aggregate classification (germline): Benign. Review status: criteria provided, single submitter (1 of 4 stars). 2 submissions from 1 submitter: Benign (2). Last evaluated 2018-01-13.

Conditions:
Susceptibility to mononeuropathy of the median nerve, mild. Also called: CARPAL TUNNEL SYNDROME, SUSCEPTIBILITY TO. Identifiers: MedGen C3150596, MONDO:0013237, OMIM 613353.
Charcot-Marie-Tooth disease type 4C (CMT4C). Also called: CMT 4C; Charcot-Marie-Tooth Neuropathy Type 4C (CMT4C); CHARCOT-MARIE-TOOTH DISEASE, DEMYELINATING, TYPE 4C; CHARCOT-MARIE-TOOTH DISEASE, DEMYELINATING, AUTOSOMAL RECESSIVE, TYPE 4C; SH3TC2-Related Hereditary Motor and Sensory Neuropathy. Identifiers: Orphanet 99949, MedGen C1866636, MONDO:0011113, OMIM 601596.

Allele frequency attached by ClinVar (database versions not stated): TOPMed 0.00515; 1000 Genomes Project 0.00639; 1000 Genomes Project 30x 0.00718.
gnomAD v4.1: 688 of 152,300 alleles (0.45%); highest among the groups gnomAD compares: African/African-American, 1.6%; 6 homozygotes.

Submissions (2):

Illumina Laboratory Services, Illumina
Classification: Benign for Susceptibility to mononeuropathy of the median nerve, mild. Last evaluated: 2018-01-13. Review status: criteria provided, single submitter. Criteria: ICSL Variant Classification Criteria 13 December 2019. Collection method: clinical testing. Allele origin: germline.
Comment: This variant was observed in the ICSL laboratory as part of a predisposition screen in an ostensibly healthy population. It had not been previously curated by ICSL or reported in the Human Gene Mutation Database (HGMD: prior to June 1st, 2018), and was therefore a candidate for classification through an automated scoring system. Utilizing variant allele frequency, disease prevalence and penetrance estimates, and inheritance mode, an automated score was calculated to assess if this variant is too frequent to cause the disease. Based on the score and internal cut-off values, a variant classified as benign is not then subjected to further curation. The score for this variant resulted in a classification of benign for this disease.

Illumina Laboratory Services, Illumina
Classification: Benign for Charcot-Marie-Tooth disease type 4C. Last evaluated: 2018-01-13. Review status: criteria provided, single submitter. Criteria: ICSL Variant Classification Criteria 13 December 2019. Collection method: clinical testing. Allele origin: germline.
Comment: the same text as in the submission from Illumina Laboratory Services, Illumina above.